The following is an entry in ClinVar:

NM_000075.4(CDK4):c.562C>T (p.Gln188Ter)

Gene: CDK4 (cyclin dependent kinase 4; minus strand). Cytogenetic location: 12q14.1.
Variant type: single nucleotide variant.
Coding change: c.562C>T on transcript NM_000075.4 (MANE Select); coding-DNA position 562, C replaced by T.
Protein change: p.Gln188Ter; replaces glutamine 188 with a stop codon.
Molecular consequence: nonsense.
Genome position (GRCh38, 1-based): chr12:57,750,726, G>A on the plus strand (C>T on the coding strand, the complement: CDK4 is on the minus strand). VCF-style: chr12-57750726-G-A. GRCh37 (hg19) VCF-style: chr12-58144509-G-A.
Other names: c.562C>T (NM_000075.3); short protein forms Q188*.
Identifiers: ClinVar variation 3652849 (VCV003652849.3).

ClinVar aggregate classification (germline): Uncertain significance. Review status: criteria provided, multiple submitters, no conflicts (2 of 4 stars). 2 submissions from 2 submitters: Uncertain significance (2). Last evaluated 2026-01-02.

Conditions:
Familial melanoma. Also called: Hereditary melanoma; Hereditary cutaneous melanoma. Identifiers: Orphanet 618, MedGen C1512419, MONDO:0018961.
Hereditary cancer-predisposing syndrome. Also called: Hereditary Cancer Syndrome; Neoplastic Syndromes, Hereditary; Tumor predisposition; Hereditary neoplastic syndrome. Identifiers: Orphanet 140162, MedGen C0027672, MeSH D009386, MONDO:0015356.

Submissions (2):

Ambry Genetics
Classification: Uncertain significance for Hereditary cancer-predisposing syndrome. Last evaluated: 2026-01-02. Review status: criteria provided, single submitter. Criteria: Ambry Variant Classification Scheme 2023. Collection method: clinical testing. Allele origin: germline.
Comment: The p.Q188* variant (also known as c.562C>T), located in coding exon 4 of the CDK4 gene, results from a C to T substitution at nucleotide position 562. This changes the amino acid from a glutamine to a stop codon within coding exon 4. This alteration is expected to result in protein truncation or nonsense-mediated mRNA decay. However, loss of function has not been established as a mechanism of disease. Based on the available evidence, the clinical significance of this alteration remains unclear.

Labcorp Genetics (formerly Invitae), Labcorp
Classification: Uncertain significance for Familial melanoma. Last evaluated: 2024-10-05. Review status: criteria provided, single submitter. Criteria: Invitae Variant Classification Sherloc (09022015). Collection method: clinical testing. Allele origin: germline.
Comment: This sequence change creates a premature translational stop signal (p.Gln188*) in the CDK4 gene. It is expected to result in an absent or disrupted protein product. However, the current clinical and genetic evidence is not sufficient to establish whether loss-of-function variants in CDK4 cause disease. This variant is not present in population databases (gnomAD no frequency). This variant has not been reported in the literature in individuals affected with CDK4-related conditions. Algorithms developed to predict the effect of sequence changes on RNA splicing suggest that this variant may disrupt the consensus splice site. In summary, the available evidence is currently insufficient to determine the role of this variant in disease. Therefore, it has been classified as a Variant of Uncertain Significance.